The following is an entry in ClinVar:

NM_000492.4(CFTR):c.3846G>C (p.Trp1282Cys)

Genes: CFTR-AS2 (CFTR antisense RNA 2; minus strand), CFTR (CF transmembrane conductance regulator; plus strand). Cytogenetic location: 7q31.2.
Variant type: single nucleotide variant.
Coding change: c.3846G>C on transcript NM_000492.4 (MANE Select); coding-DNA position 3846, G replaced by C.
Protein change: p.Trp1282Cys; replaces tryptophan 1282 with cysteine.
Molecular consequence: missense variant.
Genome position (GRCh38, 1-based): chr7:117,642,566, G>C. VCF-style: chr7-117642566-G-C. GRCh37 (hg19) VCF-style: chr7-117282620-G-C.
Other names: p.Trp1282Cys; short protein forms W1282C.
Identifiers: ClinVar variation 598323 (VCV000598323.21), dbSNP rs77010898, ClinGen allele CA4451556.

ClinVar aggregate classification (germline): Conflicting classifications of pathogenicity. Review status: criteria provided, conflicting classifications (1 of 4 stars). 9 submissions from 9 submitters: Likely pathogenic (7); Uncertain significance (2). Last evaluated 2026-01-16.

Conditions:
Cystic fibrosis (CF). Also called: MUCOVISCIDOSIS. Identifiers: Orphanet 586, MedGen C0010674, MONDO:0009061, OMIM 219700. Disease mechanism: loss of function.
Congenital bilateral aplasia of vas deferens from CFTR mutation (CBAVD). Identifiers: Orphanet 48, MedGen C0403814, MONDO:0010178, OMIM 277180. Disease mechanism: loss of function.
CFTR-related disorder (CFTR-RD). Also called: CFTR-related disorders; CFTR-related condition. Identifiers: MedGen C5924204, MONDO:7770004.
Bronchiectasis with or without elevated sweat chloride 1 (BESC1). Also called: Cystic Fibrosis-Like Syndrome. Identifiers: Orphanet 60033, MedGen C2749757, MONDO:0008887, OMIM 211400.
Hereditary pancreatitis (PCTT). Also called: Hereditary chronic pancreatitis; PRSS1-Related Hereditary Pancreatitis. Identifiers: Orphanet 676, MedGen C0238339, MONDO:0008185, OMIM 167800.

Allele frequency attached by ClinVar (database versions not stated): TOPMed 0.00002.
gnomAD v4.1: 3 of 1,613,376 alleles (0.00019%); highest among the groups gnomAD compares: African/African-American, 0.004%; no homozygotes.

Submissions (9):

Labcorp Genetics (formerly Invitae), Labcorp
Classification: Likely pathogenic for Cystic fibrosis. Last evaluated: 2026-01-16. Review status: criteria provided, single submitter. Criteria: Invitae Variant Classification Sherloc (09022015). Collection method: clinical testing. Allele origin: germline.
Comment: This sequence change replaces tryptophan, which is neutral and slightly polar, with cysteine, which is neutral and slightly polar, at codon 1282 of the CFTR protein (p.Trp1282Cys). This variant is present in population databases (rs77010898, gnomAD 0.007%). This missense change has been observed in individuals with clinical features of cystic fibrosis (PMID: 36969284, 38114870; internal data). ClinVar contains an entry for this variant (Variation ID: 598323). Invitae Evidence Modeling of protein sequence and biophysical properties (such as structural, functional, and spatial information, amino acid conservation, physicochemical variation, residue mobility, and thermodynamic stability) indicates that this missense variant is expected to disrupt CFTR protein function with a positive predictive value of 80%. Experimental studies have shown that this missense change affects CFTR function (PMID: 28575328, 31776420). This variant disrupts the p.Trp1282 amino acid residue in CFTR. Other variant(s) that disrupt this residue have been determined to be pathogenic (PMID: 29504914, 30548586; internal data). This suggests that this residue is clinically significant, and that variants that disrupt this residue are likely to be disease-causing. In summary, the currently available evidence indicates that the variant is pathogenic, but additional data are needed to prove that conclusively. Therefore, this variant has been classified as Likely Pathogenic.

Otogenetics
Classification: Likely pathogenic for Cystic fibrosis; Congenital bilateral aplasia of vas deferens from CFTR mutation. Last evaluated: 2025-10-29. Review status: criteria provided, single submitter. Criteria: ACMG Guidelines, 2015. Collection method: clinical testing. Allele origin: germline.
Comment: PM2: Maximum gnomAD MAF of 0.0062% in African (AFR) subpopulation (<0.296% threshold); PM3: Variant reported in trans with another pathogenic variants in 2 individuals affected with cystic fibrosis (PMID: 36969284); PM5: Pathogenic missense amino acid change occurs in same position: c.3844T>C;p.Trp1282Arg and c.3844T>G; p.Trp1282Gly (PMID: 18499536, 32992607); PP3: In-silico models predict deleterious effect (Revel = 0.78, BayesDel = 0.38)

Natera, Inc.
Classification: Likely pathogenic for CFTR-related disorders. Last evaluated: 2025-07-30. Review status: criteria provided, single submitter. Criteria: Natera Variant Classification Schema (03/2026). Collection method: clinical testing. Allele origin: germline.
Comment: The c.3846G>C variant in CFTR is a missense variant predicted to cause substitution of tryptophan to cysteine at amino acid 1282. This variant is rare in the general population with a frequency below the threshold expected for the associated phenotype(s). This variant has been observed in one or more individuals affected with the associated recessive disease, as either homozygous or compound heterozygous with a second variant (PMID: 10709733, 36969284). Functional studies show that this variant may disrupt protein function (PMID: 38388235). A different variant at the same position has been determined to be Pathogenic or Likely Pathogenic. Computational prediction algorithms indicate this variant is likely to affect gene or protein function. Given the available evidence, this variant is classified as Likely Pathogenic.

Women's Health and Genetics/Laboratory Corporation of America, LabCorp
Classification: Likely pathogenic for Cystic fibrosis. Last evaluated: 2025-03-04. Review status: criteria provided, single submitter. Criteria: LabCorp Variant Classification Summary - May 2015. Collection method: clinical testing. Allele origin: germline.
Comment: Variant summary: CFTR c.3846G>C (p.Trp1282Cys) results in a non-conservative amino acid change located in the second ATP-binding domain (IPR003439) of the encoded protein sequence. Five of five in-silico tools predict a damaging effect of the variant on protein function. The variant allele was found at a frequency of 4e-06 in 250892 control chromosomes. The variant has been reported in the literature in at least two individuals affected with Cystic Fibrosis, who caried a second pathogenic CFTR variant (Gunnett_2023). These data indicate that the variant may be associated with disease. At least one publication reports experimental evidence evaluating an impact on protein function. The most pronounced variant effect resulted in approximately (Gt channel conductance) 17% of normal chloride channel conductance relative to wild type (e.g., Bihler_2024). Two other studies also demonstrated a reduced CFTR function by this variant (Xue_2017, Phuan_2019). The following publications have been ascertained in the context of this evaluation (PMID: 38388235, 36969284, 31776420, 28575328). ClinVar contains an entry for this variant (Variation ID: 598323). Based on the evidence outlined above, the variant was classified as likely pathogenic.

Ambry Genetics
Classification: Likely pathogenic for Cystic fibrosis. Last evaluated: 2024-12-22. Review status: criteria provided, single submitter. Criteria: Ambry Variant Classification Scheme 2023. Collection method: clinical testing. Allele origin: germline.
Comment: The p.W1282C variant (also known as c.3846G>C), located in coding exon 23 of the CFTR gene, results from a G to C substitution at nucleotide position 3846. The tryptophan at codon 1282 is replaced by cysteine, an amino acid with highly dissimilar properties. Limited functional studies demonstrated lower levels of mature protein and reduced chloride conductance (Xue X et al. Hum. Mol. Genet., 2017 08;26:3116-3129). This variant disrupts a buried residue lying inside a pocket lined with aromatic side chains. Another alteration at this amino acid position, p.W1282G, was reported in an individual with elevated sweat chloride, pancreatic insufficiency, Pseudomonas aeruginosa colonization, and p.F508del (Faucz FR et al. Clin. Genet., 2007 Sep;72:218-23). Based on data from gnomAD, the C allele has an overall frequency of <0.01% (1/250892) total alleles studied. This amino acid position is highly conserved in available vertebrate species. In addition, this alteration is predicted to be deleterious by in silico analysis. Based on the majority of available evidence to date, this variant is likely to be pathogenic.

Fulgent Genetics
Classification: Likely pathogenic for Hereditary pancreatitis; Bronchiectasis with or without elevated sweat chloride 1; Cystic fibrosis; Congenital bilateral aplasia of vas deferens from CFTR mutation. Last evaluated: 2024-01-20. Review status: criteria provided, single submitter. Criteria: ACMG Guidelines, 2015. Collection method: clinical testing. Allele origin: germline.

Mayo Clinic Laboratories, Mayo Clinic
Classification: Likely pathogenic. Last evaluated: 2022-02-23. Review status: criteria provided, single submitter. Criteria: ACMG Guidelines, 2015. Collection method: clinical testing. Allele origin: germline. Observed: 1 variant allele.
Comment: PP3, PM2, PM3_supporting, PS3

Genome-Nilou Lab
Classification: Uncertain significance for Cystic fibrosis. Last evaluated: 2021-09-05. Review status: criteria provided, single submitter. Criteria: ACMG Guidelines, 2015. Collection method: clinical testing. Allele origin: germline. Affected: no.

Eurofins Ntd Llc (ga)
Classification: Uncertain significance. Last evaluated: 2018-08-15. Review status: criteria provided, single submitter. Criteria: EGL ClinVar v180209 classification definitions. Collection method: clinical testing. Allele origin: germline. Observed: 1 variant allele, 1 heterozygote.

Literature cited by the submitters: PubMed 36969284 (cited by 4 submitters); PubMed 38114870 (cited by Labcorp Genetics (formerly Invitae), Labcorp); PubMed 28575328 (cited by 4 submitters); PubMed 31776420 (cited by 3 submitters); PubMed 29504914 (cited by Labcorp Genetics (formerly Invitae), Labcorp); PubMed 30548586 (cited by Labcorp Genetics (formerly Invitae), Labcorp); PubMed 18499536 (cited by Otogenetics); PubMed 32992607 (cited by Otogenetics); PubMed 10709733 (cited by Natera, Inc.); PubMed 38388235 (cited by Natera, Inc. and Women's Health and Genetics/Laboratory Corporation of America, LabCorp); PubMed 17718859 (cited by Ambry Genetics); PubMed 28801929 (cited by Ambry Genetics); PubMed 29497617 (cited by Mayo Clinic Laboratories, Mayo Clinic).